The following is an entry in ClinVar:

NM_197947.3(CLEC7A):c.665G>A (p.Trp222Ter)

Gene: CLEC7A (C-type lectin domain containing 7A; minus strand). Cytogenetic location: 12p13.2.
Variant type: single nucleotide variant.
Coding change: c.665G>A on transcript NM_197947.3 (MANE Select); coding-DNA position 665, G replaced by A.
Protein change: p.Trp222Ter; replaces tryptophan 222 with a stop codon.
Molecular consequence: nonsense. On other transcripts: missense variant (2), non-coding transcript variant (1).
Genome position (GRCh38, 1-based): chr12:10,118,537, C>T on the plus strand (G>A on the coding strand, the complement: CLEC7A is on the minus strand). VCF-style: chr12-10118537-C-T. GRCh37 (hg19) VCF-style: chr12-10271136-C-T.
Other names: c.527G>A, p.Trp176Ter (NM_022570.5); c.546G>A, p.Met182Ile (NM_197948.3); c.408G>A, p.Met136Ile (NM_197949.3); c.428G>A, p.Trp143Ter (NM_197950.3); short protein forms M136I, M182I, W143*, W176*, W222*.
Identifiers: ClinVar variation 4057279 (VCV004057279.1).

ClinVar aggregate classification (germline): Uncertain significance (1 of 4 stars; one submission).

Conditions:
Aspergillosis, susceptibility to. Identifiers: Orphanet 1163, MedGen C3279774, MONDO:0013562, OMIM 614079.
Familial chronic mucocutaneous candidiasis (CANDF4). Also called: Candidiasis, familial, 4; Candidiasis familial chronic mucocutaneous, autosomal recessive; Candidiasis, familial, 4, autosomal recessive. Identifiers: Orphanet 1334, MedGen C0341024, MONDO:0013140, OMIM 613108.

gnomAD v4.1: 4 of 1,613,012 alleles (0.00025%); highest among the groups gnomAD compares: South Asian, 0.0044%; no homozygotes.

Submission:

Diagnostics Services (NGS), CSIR - Centre For Cellular And Molecular Biology
Classification: Uncertain significance for Familial chronic mucocutaneous candidiasis; Aspergillosis, susceptibility to. Last evaluated: 2025-05-29. Review status: criteria provided, single submitter. Criteria: ACMG Guidelines, 2015. Collection method: clinical testing. Allele origin: unknown. Affected: yes. Observed: 1 variant allele, 1 homozygote.
Comment: The c.665G>A variant is not present in publicly available population databases like 1000 Genomes, EVS, or in our internal database. This variant is present in gnomAD and Indian Exome Database at very low frequencies. This variant has neither been published in literature in individuals affected with CLEC7A-related conditions nor reported to the clinical databases like Human Genome Mutation Database (HGMD), ClinVar or OMIM, in any affected individuals. In-silico pathogenicity prediction programs like MutationTaster2, CADD, etc predicted this variant to be likely deleterious, however these predictions were not confirmed by published functional studies. This variant is located at the last exon of the gene that creates a premature translational stop signal at the 222nd amino acid position of the wild-type transcript which may result in translation of a truncated protein.